The following is an entry in ClinVar:

NM_000051.4(ATM):c.6573-15T>G

Genes: ATM (ATM serine/threonine kinase; plus strand), C11orf65 (chromosome 11 open reading frame 65; minus strand). Cytogenetic location: 11q22.3.
Variant type: single nucleotide variant.
Coding change: c.6573-15T>G on transcript NM_000051.4 (MANE Select); 15 bases into the intron before coding-DNA position 6573, T replaced by G.
Molecular consequence: intron variant.
Genome position (GRCh38, 1-based): chr11:108,325,295, T>G. VCF-style: chr11-108325295-T-G. GRCh37 (hg19) VCF-style: chr11-108196022-T-G.
Other names: c.6573-15T>G (NM_001351834.2); c.641-16224A>C (NM_001330368.2); c.*38+9925A>C (NM_001351110.2).
Identifiers: ClinVar variation 1302920 (VCV001302920.5), dbSNP rs2136305758, ClinGen allele CA2573053409.

ClinVar aggregate classification (germline): Uncertain significance. Review status: criteria provided, multiple submitters, no conflicts (2 of 4 stars). 2 submissions from 2 submitters: Uncertain significance (2). Last evaluated 2025-06-26.

Conditions:
Hereditary cancer-predisposing syndrome. Also called: Tumor predisposition; Neoplastic Syndromes, Hereditary; Hereditary Cancer Syndrome; Hereditary neoplastic syndrome. Identifiers: Orphanet 140162, MedGen C0027672, MeSH D009386, MONDO:0015356.

Submissions (2):

Ambry Genetics
Classification: Uncertain significance for Hereditary cancer-predisposing syndrome. Last evaluated: 2025-06-26. Review status: criteria provided, single submitter. Criteria: Ambry Variant Classification Scheme 2023. Collection method: clinical testing. Allele origin: germline.
Comment: The c.6573-15T>G intronic variant results from a T to G substitution 15 nucleotides upstream from coding exon 45 in the ATM gene. This nucleotide position is well conserved in available vertebrate species. In silico splice site analysis predicts that this alteration will weaken the native splice acceptor site and will result in the creation or strengthening of a novel splice acceptor site; however, direct evidence is insufficient at this time (Ambry internal data). Based on the available evidence, the clinical significance of this variant remains unclear.

GeneDx
Classification: Uncertain significance. Last evaluated: 2021-04-06. Review status: criteria provided, single submitter. Criteria: GeneDx Variant Classification Process June 2021. Collection method: clinical testing. Allele origin: germline. Affected: yes.
Comment: Not observed in large population cohorts (Lek et al., 2016); In silico analysis supports a deleterious effect on splicing; Has not been previously published as pathogenic or benign to our knowledge; Also known as ATM IVS47-15T>G